The following is an entry in ClinVar:

NM_001009944.3(PKD1):c.7529A>G (p.Tyr2510Cys)

Gene: PKD1 (polycystin 1, transient receptor potential channel interacting; minus strand). Cytogenetic location: 16p13.3.
Variant type: single nucleotide variant.
Coding change: c.7529A>G on transcript NM_001009944.3 (MANE Select); coding-DNA position 7529, A replaced by G.
Protein change: p.Tyr2510Cys; replaces tyrosine 2510 with cysteine.
Molecular consequence: missense variant.
Genome position (GRCh38, 1-based): chr16:2,106,265, T>C on the plus strand (A>G on the coding strand, the complement: PKD1 is on the minus strand). VCF-style: chr16-2106265-T-C. GRCh37 (hg19) VCF-style: chr16-2156266-T-C.
Other names: c.7529A>G, p.Tyr2510Cys (NM_000296.4); short protein forms Y2510C.
Identifiers: ClinVar variation 4536089 (VCV004536089.1).

ClinVar aggregate classification (germline): Uncertain significance (1 of 4 stars; one submission).

Submission:

Women's Health and Genetics/Laboratory Corporation of America, LabCorp
Classification: Uncertain significance. Last evaluated: 2025-09-22. Review status: criteria provided, single submitter. Criteria: LabCorp Variant Classification Summary - May 2015. Collection method: clinical testing. Allele origin: germline.
Comment: Variant summary: PKD1 c.7529A>G (p.Tyr2510Cys) results in a non-conservative amino acid change located in the REJ domain (IPR014010) of the encoded protein sequence. Algorithms developed to predict the effect of missense changes on protein structure and function all suggest that this variant is likely to be disruptive. The variant was absent in 241768 control chromosomes. The available data on variant occurrences in the general population are insufficient to allow any conclusion about variant significance. To our knowledge, no occurrence of c.7529A>G in individuals affected with PKD1-related conditions and no experimental evidence demonstrating its impact on protein function have been reported. No submitters have cited clinical-significance assessments for this variant to ClinVar. Based on the evidence outlined above, the variant was classified as uncertain significance.